The following is an entry in ClinVar:

NM_032043.3(BRIP1):c.3388A>G (p.Ile1130Val)

Gene: BRIP1 (BRCA1 interacting DNA helicase 1; minus strand). Cytogenetic location: 17q23.2.
Variant type: single nucleotide variant.
Coding change: c.3388A>G on transcript NM_032043.3 (MANE Select); coding-DNA position 3388, A replaced by G.
Protein change: p.Ile1130Val; replaces isoleucine 1130 with valine.
Molecular consequence: missense variant.
Genome position (GRCh38, 1-based): chr17:61,683,658, T>C on the plus strand (A>G on the coding strand, the complement: BRIP1 is on the minus strand). VCF-style: chr17-61683658-T-C. GRCh37 (hg19) VCF-style: chr17-59761019-T-C.
Other names: short protein forms I1130V.
Identifiers: ClinVar variation 461148 (VCV000461148.29), dbSNP rs786202549, ClinGen allele CA400478837.

ClinVar aggregate classification (germline): Uncertain significance. Review status: criteria provided, multiple submitters, no conflicts (2 of 4 stars). 6 submissions from 6 submitters: Uncertain significance (6). Last evaluated 2026-10-01.

Conditions:
Hereditary cancer-predisposing syndrome. Also called: Hereditary neoplastic syndrome; Tumor predisposition; Neoplastic Syndromes, Hereditary; Hereditary Cancer Syndrome. Identifiers: Orphanet 140162, MedGen C0027672, MeSH D009386, MONDO:0015356.
Fanconi anemia complementation group J. Also called: BRIP1-Related Fanconi Anemia. Identifiers: Orphanet 84, MedGen C1836860, MONDO:0012187, OMIM 609054.
Familial cancer of breast. Also called: hereditary breast carcinoma; BREAST CANCER, FAMILIAL; Hereditary breast cancer. Identifiers: Orphanet 227535, MedGen C0346153, MONDO:0016419, OMIM 114480. Disease mechanism: loss of function.

Allele frequency attached by ClinVar (database versions not stated): TOPMed below 0.00001; gnomAD 0.00001.
gnomAD v4.1: 2 of 1,613,184 alleles (0.00012%); highest among the groups gnomAD compares: African/African-American, 0.0027%; no homozygotes.

Submissions (6):

St. Jude Molecular Pathology, St. Jude Children's Research Hospital
Classification: Uncertain significance for Familial cancer of breast. Last evaluated: 2026-10-01. Review status: criteria provided, single submitter. Criteria: St. Jude Assertion Criteria 2020. Collection method: clinical testing. Allele origin: germline.
Comment: The BRIP1 c.3388A>G p.(Ile1130Val) missense change is absent in gnomAD v2.1.1. The in silico tool REVEL pre dicts a benign effect on protein function, but to our knowledge this prediction has not been confirmed by functional studies. To our knowledge, this variant has not been reported in individuals with BRIP1-associated conditions. In summary, the evidence c urrently available is insufficient to determine the clinical significance of this variant. It has therefore been classified as of uncertain significance.

Labcorp Genetics (formerly Invitae), Labcorp
Classification: Uncertain significance for Familial cancer of breast; Fanconi anemia complementation group J. Last evaluated: 2025-08-13. Review status: criteria provided, single submitter. Criteria: Invitae Variant Classification Sherloc (09022015). Collection method: clinical testing. Allele origin: germline.
Comment: This sequence change replaces isoleucine, which is neutral and non-polar, with valine, which is neutral and non-polar, at codon 1130 of the BRIP1 protein (p.Ile1130Val). This variant is not present in population databases (gnomAD no frequency). This variant has not been reported in the literature in individuals affected with BRIP1-related conditions. ClinVar contains an entry for this variant (Variation ID: 461148). Invitae Evidence Modeling of protein sequence and biophysical properties (such as structural, functional, and spatial information, amino acid conservation, physicochemical variation, residue mobility, and thermodynamic stability) indicates that this missense variant is not expected to disrupt BRIP1 protein function with a negative predictive value of 95%. In summary, the available evidence is currently insufficient to determine the role of this variant in disease. Therefore, it has been classified as a Variant of Uncertain Significance.

Ambry Genetics
Classification: Uncertain significance for Hereditary cancer-predisposing syndrome. Last evaluated: 2025-08-01. Review status: criteria provided, single submitter. Criteria: Ambry Variant Classification Scheme 2023. Collection method: clinical testing. Allele origin: germline.
Comment: The p.I1130V variant (also known as c.3388A>G), located in coding exon 19 of the BRIP1 gene, results from an A to G substitution at nucleotide position 3388. The isoleucine at codon 1130 is replaced by valine, an amino acid with highly similar properties. This amino acid position is not well conserved in available vertebrate species. In addition, this alteration is predicted to be tolerated by in silico analysis. Since supporting evidence is limited at this time, the clinical significance of this alteration remains unclear.

Center for Genomic Medicine, Rigshospitalet, Copenhagen University Hospital
Classification: Uncertain significance. Last evaluated: 2025-03-04. Review status: criteria provided, single submitter. Criteria: ACMG Guidelines, 2015. Collection method: clinical testing. Allele origin: germline.

Color Diagnostics, LLC DBA Color Health
Classification: Uncertain significance for Hereditary cancer-predisposing syndrome. Last evaluated: 2023-12-05. Review status: criteria provided, single submitter. Criteria: ACMG Guidelines, 2015. Collection method: clinical testing. Allele origin: germline.
Comment: This missense variant replaces isoleucine with valine at codon 1130 of the BRIP1 protein. Computational prediction suggests that this variant may not impact protein structure and function (internally defined REVEL score threshold <= 0.5, PMID: 27666373). To our knowledge, functional studies have not been reported for this variant. This variant has not been reported in individuals affected with BRIP1-related disorders in the literature. This variant has not been identified in the general population by the Genome Aggregation Database (gnomAD). The available evidence is insufficient to determine the role of this variant in disease conclusively. Therefore, this variant is classified as a Variant of Uncertain Significance.

Baylor Genetics
Classification: Uncertain significance for Familial cancer of breast. Last evaluated: 2023-08-22. Review status: criteria provided, single submitter. Criteria: ACMG Guidelines, 2015. Collection method: clinical testing. Allele origin: unknown.